The following is an entry in ClinVar:

NM_001127222.2(CACNA1A):c.3597_3599del (p.Glu1200del)

Gene: CACNA1A (calcium voltage-gated channel subunit alpha1 A; minus strand). Cytogenetic location: 19p13.13.
Variant type: Deletion.
Coding change: c.3597_3599del on transcript NM_001127222.2 (MANE Select); coding-DNA positions 3597 to 3599, 3 bases deleted (AGA; older notation c.3597_3599delAGA).
Protein change: p.Glu1200del; deletes glutamic acid 1200.
Molecular consequence: inframe deletion.
Genome position (GRCh38, 1-based): chr19:13,285,161-13,285,163, TCT deleted on the plus strand (AGA on the coding strand, the reverse complement: CACNA1A is on the minus strand); deleting any 3 consecutive bases within chr19:13,285,161-13,285,165 gives the same sequence; the c. name uses the placement nearest the transcript's 3' end. VCF-style (leftmost placement, unchanged base first): chr19-13285160-CTCT-C. GRCh37 (hg19) VCF-style: chr19-13395974-CTCT-C.
Other names: c.3609_3611del, p.Glu1204del (NM_000068.4, NM_023035.3); c.3600_3602del, p.Glu1201del (NM_001127221.2, NM_001174080.2); short protein forms E1201del, E1200del, E1204del.
Identifiers: ClinVar variation 2935600 (VCV002935600.3), dbSNP rs1204603119, ClinGen allele CA783429629.

ClinVar aggregate classification (germline): Uncertain significance (1 of 4 stars; one submission).

Conditions:
Episodic ataxia type 2 (EA2). Also called: CEREBELLAR ATAXIA, PAROXYSMAL, ACETAZOLAMIDE-RESPONSIVE; CEREBELLOPATHY, HEREDITARY PAROXYSMAL; EPISODIC ATAXIA, NYSTAGMUS-ASSOCIATED; ACETAZOLAMIDE-RESPONSIVE HEREDITARY PAROXYSMAL CEREBELLAR ATAXIA; ATAXIA, EPISODIC, WITH NYSTAGMUS; ATAXIA, FAMILIAL PAROXYSMAL. Identifiers: Orphanet 97, MedGen C1720416, MONDO:0007163, OMIM 108500.
Developmental and epileptic encephalopathy, 42 (DEE42A). Also called: Epileptic encephalopathy, early infantile, 42; DEVELOPMENTAL AND EPILEPTIC ENCEPHALOPATHY 42A; EPILEPTIC ENCEPHALOPATHY, EARLY INFANTILE, 42A. Identifiers: MedGen C4310716, MONDO:0014917, OMIM 617106.

Submission:

Labcorp Genetics (formerly Invitae), Labcorp
Classification: Uncertain significance for Developmental and epileptic encephalopathy, 42; Episodic ataxia type 2. Last evaluated: 2023-07-30. Review status: criteria provided, single submitter. Criteria: Invitae Variant Classification Sherloc (09022015). Collection method: clinical testing. Allele origin: germline.
Comment: Experimental studies and prediction algorithms are not available or were not evaluated, and the functional significance of this variant is currently unknown. In summary, the available evidence is currently insufficient to determine the role of this variant in disease. Therefore, it has been classified as a Variant of Uncertain Significance. This variant, c.3600_3602del, results in the deletion of 1 amino acid(s) of the CACNA1A protein (p.Glu1201del), but otherwise preserves the integrity of the reading frame. This variant has not been reported in the literature in individuals affected with CACNA1A-related conditions. This variant is not present in population databases (gnomAD no frequency).